The following is an entry in ClinVar:

NM_001166108.2(PALLD):c.878G>C (p.Arg293Thr)

Gene: PALLD (palladin, cytoskeletal associated protein; plus strand). Cytogenetic location: 4q32.3.
Variant type: single nucleotide variant.
Coding change: c.878G>C on transcript NM_001166108.2 (MANE Select); coding-DNA position 878, G replaced by C.
Protein change: p.Arg293Thr; replaces arginine 293 with threonine.
Molecular consequence: missense variant.
Genome position (GRCh38, 1-based): chr4:168,512,382, G>C. VCF-style: chr4-168512382-G-C. GRCh37 (hg19) VCF-style: chr4-169433533-G-C.
Other names: c.878G>C, p.Arg293Thr (NM_016081.4); short protein forms R293T.
Identifiers: ClinVar variation 3226843 (VCV003226843.1), dbSNP rs760939042, ClinGen allele CA358728568.
Genomic context (GRCh38, chr4:168,512,382, plus strand): 5'-TCATCCAAAAGCTGAGGAGCCAAGAAGTAGCAGAAGGGAGCCGAGTTTATCTGGAGTGTA[G>C]AGTCACTGGAAACCCCACTCCTCGAGTCAGGTATGAATTTTTGTATTATGCATAGCAAAT-3'
Protein context (NP_001159580.1, residues 283-303): AEGSRVYLEC[Arg293Thr]VTGNPTPRVR

ClinVar aggregate classification (germline): Uncertain significance (1 of 4 stars; one submission).

Submission:

Ambry Genetics
Classification: Uncertain significance. Last evaluated: 2024-03-03. Review status: criteria provided, single submitter. Criteria: Ambry Variant Classification Scheme 2023. Collection method: clinical testing. Allele origin: germline.
Comment: The p.R293T variant (also known as c.878G>C), located in coding exon 1 of the PALLD gene, results from a G to C substitution at nucleotide position 878. The arginine at codon 293 is replaced by threonine, an amino acid with similar properties. This amino acid position is conserved. In addition, the in silico prediction for this alteration is inconclusive. Based on the available evidence, the clinical significance of this alteration remains unclear.